The following is an entry in ClinVar:

ClinVar aggregate classification (germline): Likely benign (1 of 4 stars; one submission).

Submission:

CeGaT Center for Human Genetics Tuebingen
Classification: Likely benign. Last evaluated: 2022-12-01. Review status: criteria provided, single submitter. Criteria: CeGaT Center For Human Genetics Tuebingen Variant Classification Criteria Version 2. Collection method: clinical testing. Allele origin: germline. Affected: yes. Observed: 2 variant alleles.
Comment: CXXC4: BP4, BP7

NM_025212.4(CXXC4):c.393T>G (p.Gly131=)

Genes: CXXC4 (CXXC finger protein 4; minus strand), CXXC4-AS1 (CXXC4 antisense RNA 1; plus strand). Cytogenetic location: 4q24.
Variant type: single nucleotide variant.
Coding change: c.393T>G on transcript NM_025212.4 (MANE Select); coding-DNA position 393, T replaced by G.
Protein change: p.Gly131=; no amino-acid change (glycine 131 retained).
Molecular consequence: synonymous variant.
Genome position (GRCh38, 1-based): chr4:104,491,410, A>C on the plus strand (T>G on the coding strand, the complement: CXXC4 is on the minus strand). VCF-style: chr4-104491410-A-C. GRCh37 (hg19) VCF-style: chr4-105412567-A-C.
Identifiers: ClinVar variation 2654990 (VCV002654990.24), dbSNP rs1578323965, ClinGen allele CA440821904.